The following is an entry in ClinVar:

ClinVar aggregate classification (germline): Conflicting classifications of pathogenicity. Review status: criteria provided, conflicting classifications (1 of 4 stars). 3 submissions from 3 submitters: Uncertain significance (1); Likely benign (1). 1 of the submissions does not count toward it. Last evaluated 2024-02-24.

Conditions:
Inborn genetic diseases. Identifiers: MedGen C0950123, MeSH D030342.
Hereditary spastic paraplegia 49 (HSAN9). Also called: Spastic paraplegia 49, autosomal recessive; NEUROPATHY, HEREDITARY SENSORY AND AUTONOMIC, TYPE IX, WITH DEVELOPMENTAL DELAY; TECPR2-Related Hereditary Sensory and Autonomic Neuropathy with Intellectual Disability. Identifiers: Orphanet 320385, MedGen C5190860, MONDO:0014016, OMIM 615031.

Allele frequency attached by ClinVar (database versions not stated): ExAC 0.00013; gnomAD exomes 0.00014; 1000 Genomes Project 30x 0.00016; 1000 Genomes Project 0.00020; TOPMed 0.00025; ESP Exome Variant Server 0.00031; gnomAD 0.00031 and 0.00032.
gnomAD v4.1: 230 of 1,520,148 alleles (0.015%); highest among the groups gnomAD compares: African/African-American, 0.06%; no homozygotes.

Submissions (3):

Labcorp Genetics (formerly Invitae), Labcorp
Classification: Uncertain significance for Hereditary spastic paraplegia 49. Last evaluated: 2024-02-24. Review status: criteria provided, single submitter. Criteria: Invitae Variant Classification Sherloc (09022015). Collection method: clinical testing. Allele origin: germline.
Comment: This sequence change replaces valine, which is neutral and non-polar, with methionine, which is neutral and non-polar, at codon 516 of the TECPR2 protein (p.Val516Met). This variant is present in population databases (rs141697267, gnomAD 0.09%). This variant has not been reported in the literature in individuals affected with TECPR2-related conditions. ClinVar contains an entry for this variant (Variation ID: 970207). Algorithms developed to predict the effect of missense changes on protein structure and function output the following: SIFT: "Not Available"; PolyPhen-2: "Benign"; Align-GVGD: "Not Available". The methionine amino acid residue is found in multiple mammalian species, which suggests that this missense change does not adversely affect protein function. In summary, the available evidence is currently insufficient to determine the role of this variant in disease. Therefore, it has been classified as a Variant of Uncertain Significance.

Ambry Genetics
Classification: Likely benign for Inborn genetic diseases. Last evaluated: 2022-04-22. Review status: criteria provided, single submitter. Criteria: Ambry Variant Classification Scheme 2023. Collection method: clinical testing. Allele origin: germline.

Natera, Inc.
Classification: Likely benign for Autosomal recessive spastic paraplegia type 49. Last evaluated: 2020-11-16. Review status: no assertion criteria provided. Collection method: clinical testing. Allele origin: germline. Not counted in ClinVar's aggregate classification.

NM_014844.5(TECPR2):c.1546G>A (p.Val516Met)

Gene: TECPR2 (tectonin beta-propeller repeat containing 2; plus strand). Cytogenetic location: 14q32.31.
Variant type: single nucleotide variant.
Coding change: c.1546G>A on transcript NM_014844.5 (MANE Select); coding-DNA position 1546, G replaced by A.
Protein change: p.Val516Met; replaces valine 516 with methionine.
Molecular consequence: missense variant.
Genome position (GRCh38, 1-based): chr14:102,434,363, G>A. VCF-style: chr14-102434363-G-A. GRCh37 (hg19) VCF-style: chr14-102900700-G-A.
Other names: c.1546G>A, p.Val516Met (NM_001172631.3); short protein forms V516M.
Identifiers: ClinVar variation 970207 (VCV000970207.8), dbSNP rs141697267, ClinGen allele CA7357750.